The following is an entry in ClinVar:

NM_006329.4(FBLN5):c.945_946inv (p.Asp316Asn)

Gene: FBLN5 (fibulin 5; minus strand). Cytogenetic location: 14q32.12.
Variant type: Inversion.
Coding change: c.945_946inv on transcript NM_006329.4 (MANE Select).
Protein change: p.Asp316Asn; replaces aspartic acid 316 with asparagine.
Molecular consequence: missense variant.
Genome position: GRCh38 VCF-style: chr14-91881335-CA-TG. GRCh37 (hg19) VCF-style: chr14-92347679-CA-TG.
Other names: c.1068_1069inv, p.Asp357Asn (NM_001384158.1); c.996_997inv, p.Asp333Asn (NM_001384159.1); c.945_946inv, p.Asp316Asn (NM_001384160.1); c.777_778inv, p.Asp260Asn (NM_001384161.1, NM_001384162.1); short protein forms D333N, D316N, D357N, D260N.
Identifiers: ClinVar variation 2040048 (VCV002040048.4), ClinGen allele CA2580088919.
Genomic context (GRCh38, chr14:91,881,335, plus strand): 5'-GGGACGCCGTGACTTACTTATCACTGATCCTCAGATAAGGCTCCTCACAGCGGATGGGGT[CA>TG]ATGCATTTGAAGCCCCCTTGTAAATTGTAGCACGTCTGCTGCAGGTTGCACGTGTGGTTC-3'
Protein context (NP_006320.2, residues 306-326): YNLQGGFKCI[Asp316Asn]PIRCEEPYLR

ClinVar aggregate classification (germline): Uncertain significance (1 of 4 stars; one submission).

Submission:

Labcorp Genetics (formerly Invitae), Labcorp
Classification: Uncertain significance. Last evaluated: 2024-11-11. Review status: criteria provided, single submitter. Criteria: Invitae Variant Classification Sherloc (09022015). Collection method: clinical testing. Allele origin: germline.
Comment: This sequence change replaces aspartic acid, which is acidic and polar, with asparagine, which is neutral and polar, at codon 316 of the FBLN5 protein (p.Asp316Asn). Information on the frequency of this variant in the gnomAD database is not available, as this variant may be reported differently in the database. This variant has not been reported in the literature in individuals affected with FBLN5-related conditions. ClinVar contains an entry for this variant (Variation ID: 2040048). Experimental studies and prediction algorithms are not available or were not evaluated, and the functional significance of this variant is currently unknown. In summary, the available evidence is currently insufficient to determine the role of this variant in disease. Therefore, it has been classified as a Variant of Uncertain Significance.